The following is an entry in ClinVar:

NM_014727.3(KMT2B):c.1123G>C (p.Asp375His)

Gene: KMT2B (lysine methyltransferase 2B; plus strand). Cytogenetic location: 19q13.12.
Variant type: single nucleotide variant.
Coding change: c.1123G>C on transcript NM_014727.3 (MANE Select); coding-DNA position 1123, G replaced by C.
Protein change: p.Asp375His; replaces aspartic acid 375 with histidine.
Molecular consequence: missense variant.
Genome position (GRCh38, 1-based): chr19:35,720,470, G>C. VCF-style: chr19-35720470-G-C. GRCh37 (hg19) VCF-style: chr19-36211372-G-C.
Other names: short protein forms D375H.
Identifiers: ClinVar variation 2498771 (VCV002498771.28), dbSNP rs1969140603, ClinGen allele CA405384718.
Genomic context (GRCh38, chr19:35,720,470, plus strand): 5'-AAAAAGCAGGAACAGAAGCTGGATGACGAGGAAGAAGAGAAGAAAGAAGAAGAAGAAAAA[G>C]ACAAGGAGGGAGAAGAGAAGGAAGAAAGAGCTGTAGCTGAGGAGATGATGCCAGCTGCGG-3'
Protein context (NP_055542.1, residues 365-385): EEEKKEEEEK[Asp375His]KEGEEKEERA

ClinVar aggregate classification (germline): Uncertain significance (1 of 4 stars; one submission).

Submission:

CeGaT Center for Human Genetics Tuebingen
Classification: Uncertain significance. Last evaluated: 2023-02-01. Review status: criteria provided, single submitter. Criteria: CeGaT Center For Human Genetics Tuebingen Variant Classification Criteria Version 2. Collection method: clinical testing. Allele origin: germline. Affected: yes. Observed: 1 variant allele.
Comment: KMT2B: PM2, BP4